The following is an entry in ClinVar:

NM_001190274.2(FBXO11):c.1032G>C (p.Met344Ile)

Gene: FBXO11 (F-box protein 11; minus strand). Cytogenetic location: 2p16.3.
Variant type: single nucleotide variant.
Coding change: c.1032G>C on transcript NM_001190274.2 (MANE Select); coding-DNA position 1032, G replaced by C.
Protein change: p.Met344Ile; replaces methionine 344 with isoleucine.
Molecular consequence: missense variant.
Genome position (GRCh38, 1-based): chr2:47,832,973, C>G on the plus strand (G>C on the coding strand, the complement: FBXO11 is on the minus strand). VCF-style: chr2-47832973-C-G. GRCh37 (hg19) VCF-style: chr2-48060112-C-G.
Other names: c.780G>C, p.Met260Ile (NM_001374325.1, NM_025133.4); short protein forms M260I, M344I.
Identifiers: ClinVar variation 2846688 (VCV002846688.3), dbSNP rs2531195093, ClinGen allele CA346766029.

ClinVar aggregate classification (germline): Uncertain significance (1 of 4 stars; one submission).

Allele frequency attached by ClinVar (database versions not stated): gnomAD exomes below 0.00001.
gnomAD v4.1: 1 of 1,610,028 alleles (0.000062%); highest among the groups gnomAD compares: Non-Finnish European, 0.000085%; no homozygotes.

Submission:

Labcorp Genetics (formerly Invitae), Labcorp
Classification: Uncertain significance. Last evaluated: 2023-03-17. Review status: criteria provided, single submitter. Criteria: Invitae Variant Classification Sherloc (09022015). Collection method: clinical testing. Allele origin: germline.
Comment: In summary, the available evidence is currently insufficient to determine the role of this variant in disease. Therefore, it has been classified as a Variant of Uncertain Significance. An algorithm developed to predict the effect of missense changes on protein structure and function (PolyPhen-2) suggests that this variant is likely to be tolerated. This variant has not been reported in the literature in individuals affected with FBXO11-related conditions. This variant is not present in population databases (gnomAD no frequency). This sequence change replaces methionine, which is neutral and non-polar, with isoleucine, which is neutral and non-polar, at codon 344 of the FBXO11 protein (p.Met344Ile).